The following is an entry in ClinVar:

NM_144643.4(SCLT1):c.857A>G (p.Gln286Arg)

Gene: SCLT1 (sodium channel and clathrin linker 1; minus strand). Cytogenetic location: 4q28.2.
Variant type: single nucleotide variant.
Coding change: c.857A>G on transcript NM_144643.4 (MANE Select); coding-DNA position 857, A replaced by G.
Protein change: p.Gln286Arg; replaces glutamine 286 with arginine.
Molecular consequence: missense variant.
Genome position (GRCh38, 1-based): chr4:128,965,239, T>C on the plus strand (A>G on the coding strand, the complement: SCLT1 is on the minus strand). VCF-style: chr4-128965239-T-C. GRCh37 (hg19) VCF-style: chr4-129886394-T-C.
Other names: c.857A>G, p.Gln286Arg (NM_001410807.1); short protein forms Q286R.
Identifiers: ClinVar variation 5001071 (VCV005001071.1).

ClinVar aggregate classification (germline): Uncertain significance (1 of 4 stars; one submission).

Conditions:
SCLT1-related disorder. Also called: SCLT1-related condition.

gnomAD v4.1: 1 of 1,578,838 alleles (0.000063%); highest among the groups gnomAD compares: African/African-American, 0.0013%; no homozygotes.

Submission:

PreventionGenetics, part of Exact Sciences
Classification: Uncertain significance for SCLT1-related condition. Last evaluated: 2025-05-06. Review status: criteria provided, single submitter. Criteria: ACMG Guidelines, 2015. Collection method: clinical testing. Allele origin: germline.
Comment: The SCLT1 c.857A>G variant is predicted to result in the amino acid substitution p.Gln286Arg. To our knowledge, this variant has not been reported in the literature or in a large population database (gnomAD), indicating this variant is rare. At this time, the clinical significance of this variant is uncertain due to the absence of conclusive functional and genetic evidence.